The following is an entry in ClinVar:

ClinVar aggregate classification (germline): Uncertain significance (1 of 4 stars; one submission).

Allele frequency attached by ClinVar (database versions not stated): gnomAD exomes below 0.00001.
gnomAD v4.1: 3 of 1,183,632 alleles (0.00025%); highest among the groups gnomAD compares: Non-Finnish European, 0.00034%; no homozygotes.

Submission:

GeneDx
Classification: Uncertain significance. Last evaluated: 2023-01-13. Review status: criteria provided, single submitter. Criteria: GeneDx Variant Classification Process June 2021. Collection method: clinical testing. Allele origin: germline. Affected: yes.
Comment: Not observed at significant frequency in large population cohorts (gnomAD); In silico analysis supports that this missense variant does not alter protein structure/function; Has not been previously published as pathogenic or benign to our knowledge

NM_005334.3(HCFC1):c.4598A>G (p.Glu1533Gly)

Gene: HCFC1 (host cell factor C1; minus strand). Cytogenetic location: Xq28.
Variant type: single nucleotide variant.
Coding change: c.4598A>G on transcript NM_005334.3 (MANE Select); coding-DNA position 4598, A replaced by G.
Protein change: p.Glu1533Gly; replaces glutamic acid 1533 with glycine.
Molecular consequence: missense variant.
Genome position (GRCh38, 1-based): chrX:153,952,858, T>C on the plus strand (A>G on the coding strand, the complement: HCFC1 is on the minus strand). VCF-style: chrX-153952858-T-C. GRCh37 (hg19) VCF-style: chrX-153218309-T-C.
Other names: c.4730A>G, p.Glu1577Gly (NM_001410705.1); short protein forms E1533G, E1577G.
Identifiers: ClinVar variation 2572876 (VCV002572876.1), dbSNP rs2521501008, ClinGen allele CA415113112.